The following is an entry in ClinVar:

ClinVar aggregate classification (germline): Uncertain significance (1 of 4 stars; one submission).

Submission:

Labcorp Genetics (formerly Invitae), Labcorp
Classification: Uncertain significance. Last evaluated: 2025-03-04. Review status: criteria provided, single submitter. Criteria: Invitae Variant Classification Sherloc (09022015). Collection method: clinical testing. Allele origin: germline.
Comment: This sequence change falls in intron 10 of the IL17RD gene. It does not directly change the encoded amino acid sequence of the IL17RD protein. This variant is present in population databases (rs202023863, gnomAD 0.02%). This variant has not been reported in the literature in individuals affected with IL17RD-related conditions. Algorithms developed to predict the effect of sequence changes on RNA splicing suggest that this variant may disrupt the consensus splice site. In summary, the available evidence is currently insufficient to determine the role of this variant in disease. Therefore, it has been classified as a Variant of Uncertain Significance.

NM_017563.5(IL17RD):c.980-16T>A

Gene: IL17RD (interleukin 17 receptor D; minus strand). Cytogenetic location: 3p14.3.
Variant type: single nucleotide variant.
Coding change: c.980-16T>A on transcript NM_017563.5 (MANE Select); 16 bases into the intron before coding-DNA position 980, T replaced by A.
Molecular consequence: intron variant.
Genome position (GRCh38, 1-based): chr3:57,101,379, A>T on the plus strand (T>A on the coding strand, the complement: IL17RD is on the minus strand). VCF-style: chr3-57101379-A-T. GRCh37 (hg19) VCF-style: chr3-57135407-A-T.
Other names: c.548-16T>A (NM_001318864.2).
Identifiers: ClinVar variation 4765658 (VCV004765658.1).